The following is an entry in ClinVar:

NM_000096.4(CP):c.2998G>A (p.Gly1000Ser)

Gene: CP (ceruloplasmin; minus strand). Cytogenetic location: 3q24.
Variant type: single nucleotide variant.
Coding change: c.2998G>A on transcript NM_000096.4 (MANE Select); coding-DNA position 2998, G replaced by A.
Protein change: p.Gly1000Ser; replaces glycine 1000 with serine.
Molecular consequence: missense variant. On other transcripts: non-coding transcript variant (1).
Genome position (GRCh38, 1-based): chr3:149,177,860, C>T on the plus strand (G>A on the coding strand, the complement: CP is on the minus strand). VCF-style: chr3-149177860-C-T. GRCh37 (hg19) VCF-style: chr3-148895647-C-T.
Other names: short protein forms G1000S.
Identifiers: ClinVar variation 343750 (VCV000343750.14), dbSNP rs187293972, ClinGen allele CA2660586.
Genomic context (GRCh38, chr3:149,177,860, plus strand): 5'-TTCAAACAGAGCAAGAGTAATTGCCATGGATAGCTCTTACCTTGTATTGGAAGCTATGGC[C>T]GTGAAAATGTACAGTGTGTAAGTCTATTTCATTGCCCATTCCCATCAGATACCAGTTGAC-3'
Protein context (NP_000087.2, residues 990-1010): EIDLHTVHFH[Gly1000Ser]HSFQYKHRGV

ClinVar aggregate classification (germline): Uncertain significance. Review status: criteria provided, multiple submitters, no conflicts (2 of 4 stars). 6 submissions from 6 submitters: Uncertain significance (4). 2 of the submissions do not count toward it. Last evaluated 2026-01-26.

Conditions:
Deficiency of ferroxidase (ACEP). Also called: Deficiency of ceruloplasmin; Aceruloplasminemia; Ceruloplasmin deficiency; Familial apoceruloplasmin deficiency; Hereditary ceruloplasmin deficiency; NEURODEGENERATION WITH BRAIN IRON ACCUMULATION 10. Identifiers: Orphanet 48818, MedGen C0878682, MONDO:0011426, OMIM 604290, HP:0025498.
Inborn genetic diseases. Identifiers: MedGen C0950123, MeSH D030342.

Allele frequency attached by ClinVar (database versions not stated): gnomAD 0.00007 and 0.00013; ESP Exome Variant Server 0.00008; TOPMed 0.00013; gnomAD exomes 0.00019 and 0.00028; ExAC 0.00031; 1000 Genomes Project 30x 0.00047; 1000 Genomes Project 0.00060.
gnomAD v4.1: 289 of 1,613,678 alleles (0.018%); highest among the groups gnomAD compares: South Asian, 0.11%; 1 homozygote.

Submissions (7):

Labcorp Genetics (formerly Invitae), Labcorp
Classification: Uncertain significance for Deficiency of ferroxidase. Last evaluated: 2026-01-26. Review status: criteria provided, single submitter. Criteria: Invitae Variant Classification Sherloc (09022015). Collection method: clinical testing. Allele origin: germline.
Comment: This sequence change replaces glycine, which is neutral and non-polar, with serine, which is neutral and polar, at codon 1000 of the CP protein (p.Gly1000Ser). This variant is present in population databases (rs187293972, gnomAD 0.1%). This variant has not been reported in the literature in individuals affected with CP-related conditions. ClinVar contains an entry for this variant (Variation ID: 343750). Invitae Evidence Modeling of protein sequence and biophysical properties (such as structural, functional, and spatial information, amino acid conservation, physicochemical variation, residue mobility, and thermodynamic stability) indicates that this missense variant is not expected to disrupt CP protein function with a negative predictive value of 80%. In summary, the available evidence is currently insufficient to determine the role of this variant in disease. Therefore, it has been classified as a Variant of Uncertain Significance.

Ambry Genetics
Classification: Uncertain significance for Inborn genetic diseases. Last evaluated: 2023-12-28. Review status: criteria provided, single submitter. Criteria: Ambry Variant Classification Scheme 2023. Collection method: clinical testing. Allele origin: germline.

Fulgent Genetics
Classification: Uncertain significance for Deficiency of ferroxidase. Last evaluated: 2018-10-31. Review status: criteria provided, single submitter. Criteria: ACMG Guidelines, 2015. Collection method: clinical testing. Allele origin: unknown.

Illumina Laboratory Services, Illumina
Classification: Uncertain significance for Deficiency of ferroxidase. Last evaluated: 2018-01-13. Review status: criteria provided, single submitter. Criteria: ICSL Variant Classification Criteria 13 December 2019. Collection method: clinical testing. Allele origin: germline.

Clinical Genetics DNA and cytogenetics Diagnostics Lab, Erasmus MC, Erasmus Medical Center
Classification: Uncertain significance. Review status: no assertion criteria provided. Collection method: clinical testing. Allele origin: germline. Affected: yes. Study: VKGL Data-share Consensus. Not counted in ClinVar's aggregate classification.

Dr. Peter K. Rogan Lab, Western University
No classification provided (evidence only). Condition: Ovarian cancer. Review status: no classification provided. Collection method: in vitro. Allele origin: not applicable. Functional consequence: retained intron. Not counted in ClinVar's aggregate classification.

Joint Genome Diagnostic Labs from Nijmegen and Maastricht, Radboudumc and MUMC+
Classification: Uncertain significance. Review status: no assertion criteria provided. Collection method: clinical testing. Allele origin: germline. Affected: yes. Study: VKGL Data-share Consensus. Not counted in ClinVar's aggregate classification.